The following is an entry in ClinVar:

NM_016401.4(HIKESHI):c.52G>A (p.Val18Met)

Gene: HIKESHI (heat shock protein nuclear import factor hikeshi; plus strand). Cytogenetic location: 11q14.2.
Variant type: single nucleotide variant.
Coding change: c.52G>A on transcript NM_016401.4 (MANE Select); coding-DNA position 52, G replaced by A.
Protein change: p.Val18Met; replaces valine 18 with methionine.
Molecular consequence: missense variant. On other transcripts: 5 prime UTR variant (2), non-coding transcript variant (1).
Genome position (GRCh38, 1-based): chr11:86,306,266, G>A. VCF-style: chr11-86306266-G-A. GRCh37 (hg19) VCF-style: chr11-86017308-G-A.
Other names: c.52G>A, p.Val18Met (NM_001322404.2); c.-66G>A (NM_001322407.2, NM_001322409.2); short protein forms V18M.
Identifiers: ClinVar variation 1466246 (VCV001466246.8), dbSNP rs1201456240, ClinGen allele CA382016312.

ClinVar aggregate classification (germline): Uncertain significance (1 of 4 stars; one submission).

Allele frequency attached by ClinVar (database versions not stated): gnomAD exomes below 0.00001; TOPMed below 0.00001; gnomAD 0.00001.

Submission:

Labcorp Genetics (formerly Invitae), Labcorp
Classification: Uncertain significance. Last evaluated: 2022-08-16. Review status: criteria provided, single submitter. Criteria: Invitae Variant Classification Sherloc (09022015). Collection method: clinical testing. Allele origin: germline.
Comment: In summary, the available evidence is currently insufficient to determine the role of this variant in disease. Therefore, it has been classified as a Variant of Uncertain Significance. Algorithms developed to predict the effect of missense changes on protein structure and function are either unavailable or do not agree on the potential impact of this missense change (SIFT: "Tolerated"; PolyPhen-2: "Possibly Damaging"; Align-GVGD: "Class C0"). ClinVar contains an entry for this variant (Variation ID: 1466246). This variant has not been reported in the literature in individuals affected with HIKESHI-related conditions. This variant is not present in population databases (gnomAD no frequency). This sequence change replaces valine, which is neutral and non-polar, with methionine, which is neutral and non-polar, at codon 18 of the HIKESHI protein (p.Val18Met).